The following is an entry in ClinVar:

ClinVar aggregate classification (germline): Likely benign. Review status: criteria provided, single submitter (1 of 4 stars). 2 submissions from 2 submitters: Likely benign (1). 1 of the submissions does not count toward it. Last evaluated 2017-02-22.

Conditions:
GPBAR1-related disorder. Also called: GPBAR1-related condition.

Allele frequency attached by ClinVar (database versions not stated): gnomAD exomes 0.00037 and 0.00082; ExAC 0.00091; 1000 Genomes Project 30x 0.00234; gnomAD 0.00239 and 0.00255; ESP Exome Variant Server 0.00254; 1000 Genomes Project 0.00260; TOPMed 0.00260.

Submissions (2):

Eurofins Ntd Llc (ga)
Classification: Likely benign. Last evaluated: 2017-02-22. Review status: criteria provided, single submitter. Criteria: EGL Classification Definitions 2015. Collection method: clinical testing. Allele origin: germline. Observed: 1 variant allele, 1 heterozygote.

PreventionGenetics, part of Exact Sciences
Classification: Benign for GPBAR1-related condition. Last evaluated: 2019-09-30. Review status: no assertion criteria provided. Collection method: clinical testing. Allele origin: germline. Not counted in ClinVar's aggregate classification.
Comment: This variant is classified as benign based on ACMG/AMP sequence variant interpretation guidelines (Richards et al. 2015 PMID: 25741868, with internal and published modifications).

NM_170699.3(GPBAR1):c.458C>T (p.Ala153Val)

Gene: GPBAR1 (G protein-coupled bile acid receptor 1; plus strand). Cytogenetic location: 2q35.
Variant type: single nucleotide variant.
Coding change: c.458C>T on transcript NM_170699.3 (MANE Select); coding-DNA position 458, C replaced by T.
Protein change: p.Ala153Val; replaces alanine 153 with valine.
Molecular consequence: missense variant.
Genome position (GRCh38, 1-based): chr2:218,263,182, C>T. VCF-style: chr2-218263182-C-T. GRCh37 (hg19) VCF-style: chr2-219127905-C-T.
Other names: c.458C>T, p.Ala153Val (NM_001077191.2, NM_001077194.2, NM_001321950.2); c.458C>T (NM_001321950.1); short protein forms A153V.
Identifiers: ClinVar variation 500570 (VCV000500570.7), dbSNP rs138439621, ClinGen allele CA2102593.